The following is an entry in ClinVar:

NM_199242.3(UNC13D):c.2340C>T (p.Gly780=)

Gene: UNC13D (unc-13 homolog D; minus strand). Cytogenetic location: 17q25.1.
Variant type: single nucleotide variant.
Coding change: c.2340C>T on transcript NM_199242.3 (MANE Select); coding-DNA position 2340, C replaced by T.
Protein change: p.Gly780=; no amino-acid change (glycine 780 retained).
Molecular consequence: synonymous variant.
Genome position (GRCh38, 1-based): chr17:75,834,102, G>A on the plus strand (C>T on the coding strand, the complement: UNC13D is on the minus strand). VCF-style: chr17-75834102-G-A. GRCh37 (hg19) VCF-style: chr17-73830183-G-A.
Identifiers: ClinVar variation 732595 (VCV000732595.10), dbSNP rs556654678, ClinGen allele CA8772588.

ClinVar aggregate classification (germline): Conflicting classifications of pathogenicity. Review status: criteria provided, conflicting classifications (1 of 4 stars). 3 submissions from 3 submitters: Uncertain significance (1); Likely benign (2). Last evaluated 2025-12-08.

Conditions:
Familial hemophagocytic lymphohistiocytosis 3 (FHL3). Also called: UNC13D-Related Familial Hemophagocytic Lymphohistiocytosis (UNC13D-fHLH). Identifiers: Orphanet 540, MedGen C1837174, MONDO:0012146, OMIM 608898.

Allele frequency attached by ClinVar (database versions not stated): ExAC 0.00003; TOPMed 0.00003; gnomAD 0.00004 and 0.00005; gnomAD exomes 0.00004; 1000 Genomes Project 0.00020; 1000 Genomes Project 30x 0.00031.
gnomAD v4.1: 18 of 1,613,756 alleles (0.0011%); highest among the groups gnomAD compares: Admixed American, 0.0067%; no homozygotes.

Submissions (3):

Labcorp Genetics (formerly Invitae), Labcorp
Classification: Likely benign for Familial hemophagocytic lymphohistiocytosis 3. Last evaluated: 2025-12-08. Review status: criteria provided, single submitter. Criteria: Invitae Variant Classification Sherloc (09022015). Collection method: clinical testing. Allele origin: germline.

GeneDx
Classification: Uncertain significance. Last evaluated: 2025-01-16. Review status: criteria provided, single submitter. Criteria: GeneDx Variant Classification Process June 2021. Collection method: clinical testing. Allele origin: germline. Affected: yes.
Comment: In silico analysis supports a deleterious effect on splicing; Has not been previously published as pathogenic or benign to our knowledge

Breakthrough Genomics
Classification: Likely benign. Review status: criteria provided, single submitter. Criteria: ACMG Guidelines, 2015. Collection method: not provided. Allele origin: germline. Inheritance: Autosomal recessive inheritance. Affected: yes.